The following is an entry in ClinVar:

NM_020699.4(GATAD2B):c.730-2A>G

Gene: GATAD2B (GATA zinc finger domain containing 2B; minus strand). Cytogenetic location: 1q21.3.
Variant type: single nucleotide variant.
Coding change: c.730-2A>G on transcript NM_020699.4 (MANE Select); the canonical splice acceptor site of the intron before coding-DNA position 730, A replaced by G.
Molecular consequence: splice acceptor variant.
Genome position (GRCh38, 1-based): chr1:153,817,544, T>C on the plus strand (A>G on the coding strand, the complement: GATAD2B is on the minus strand). VCF-style: chr1-153817544-T-C. GRCh37 (hg19) VCF-style: chr1-153790020-T-C.
Identifiers: ClinVar variation 3907759 (VCV003907759.1).

ClinVar aggregate classification (germline): Pathogenic (1 of 4 stars; one submission).

Submission:

GeneDx
Classification: Pathogenic. Last evaluated: 2024-12-26. Review status: criteria provided, single submitter. Criteria: GeneDx Variant Classification Process June 2021. Collection method: clinical testing. Allele origin: germline. Affected: yes.
Comment: Canonical splice site variant predicted to result in an in-frame loss of the adjacent exon in a gene for which loss of function is a known mechanism of disease; Not observed at significant frequency in large population cohorts (gnomAD); This variant is associated with the following publications: (PMID: 31949314)